The following is an entry in ClinVar:

NM_000545.8(HNF1A):c.-215A>G

Gene: HNF1A (HNF1 homeobox A; plus strand). Cytogenetic location: 12q24.31.
Variant type: single nucleotide variant.
Coding change: c.-215A>G on transcript NM_000545.8 (MANE Select); 215 bases upstream of the start codon, A replaced by G.
Molecular consequence: 5 prime UTR variant.
Genome position (GRCh38, 1-based): chr12:120,978,554, A>G. VCF-style: chr12-120978554-A-G. GRCh37 (hg19) VCF-style: chr12-121416357-A-G.
Other names: NM_001306179.2:c.-215A>G; c.-215A>G (NM_001306179.2, NM_001406915.1).
Identifiers: ClinVar variation 3068494 (VCV003068494.1), dbSNP rs2499972059, ClinGen allele CA2740067583.
Genomic context (GRCh38, chr12:120,978,554, plus strand): 5'-GTCCCTTCGCTAAGCACACGGATAAATATGAACCTTGGAGAATTTCCCCAGCTCCAATGT[A>G]AACAGAACAGGCAGGGGCCCTGATTCACGGGCCGCTGGGGCCAGGGTTGGGGGTTGGGGG-3'

ClinVar aggregate classification (germline): Uncertain significance (3 of 4 stars; one submission).

Conditions:
Monogenic diabetes. Identifiers: Orphanet 183625, MedGen C3888631, MONDO:0015967.

Submission:

ClinGen Monogenic Diabetes Variant Curation Expert Panel
Classification: Uncertain significance for Monogenic diabetes. Last evaluated: 2024-03-31. Review status: reviewed by expert panel. Criteria: ClinGen Diabetes ACMG Specifications HNF1A V2.1.0. Collection method: curation. Allele origin: germline. Inheritance: Autosomal dominant inheritance.
Comment: The c.215A>G variant in the HNF1 homeobox A gene, HNF1A, is a single nucleotide variant within the promoter of NM_000545.8. This variant is located within a region of the promoter (c.-209 to c.-227) of HNF1A which is defined as critical for the protein’s function by the ClinGen MDEP (PM1_Supporting). This variant is absent from gnomAD v2.1.1 (PM2_Supporting). This variant segregated with diabetes with 2 informative meioses in a single family; however, this does not meet the thresholds for PP1 set by the ClinGen MDEP (internal lab contributors). In summary, c.-215A>G meets the criteria to be classified as a variant of uncertain significance for monogenic diabetes. ACMG/AMP criteria applied, as specified by the ClinGen MDEP (specification version 2.1.0, approved 8/11/2023): PP4_Moderate, PM1_Supporting, PM2_Supporting.